The following is an entry in ClinVar:

ClinVar aggregate classification (germline): Uncertain significance (1 of 4 stars; one submission).

Allele frequency attached by ClinVar (database versions not stated): TOPMed below 0.00001.

Submission:

Labcorp Genetics (formerly Invitae), Labcorp
Classification: Uncertain significance. Last evaluated: 2022-05-28. Review status: criteria provided, single submitter. Criteria: Invitae Variant Classification Sherloc (09022015). Collection method: clinical testing. Allele origin: germline.
Comment: In summary, the available evidence is currently insufficient to determine the role of this variant in disease. Therefore, it has been classified as a Variant of Uncertain Significance. Algorithms developed to predict the effect of missense changes on protein structure and function are either unavailable or do not agree on the potential impact of this missense change (SIFT: "Deleterious"; PolyPhen-2: "Possibly Damaging"; Align-GVGD: "Class C0"). This variant has not been reported in the literature in individuals affected with RXYLT1-related conditions. This variant is not present in population databases (gnomAD no frequency). This sequence change replaces arginine, which is basic and polar, with tryptophan, which is neutral and slightly polar, at codon 44 of the RXYLT1 protein (p.Arg44Trp).

NM_014254.3(RXYLT1):c.130A>T (p.Arg44Trp)

Gene: RXYLT1 (ribitol xylosyltransferase 1; plus strand). Cytogenetic location: 12q14.2.
Variant type: single nucleotide variant.
Coding change: c.130A>T on transcript NM_014254.3 (MANE Select); coding-DNA position 130, A replaced by T.
Protein change: p.Arg44Trp; replaces arginine 44 with tryptophan.
Molecular consequence: missense variant. On other transcripts: 5 prime UTR variant (1).
Genome position (GRCh38, 1-based): chr12:63,780,090, A>T. VCF-style: chr12-63780090-A-T. GRCh37 (hg19) VCF-style: chr12-64173870-A-T.
Other names: c.-984A>T (NM_001278237.2); short protein forms R44W.
Identifiers: ClinVar variation 1973159 (VCV001973159.5), dbSNP rs1897638536, ClinGen allele CA385583982.
Genomic context (GRCh38, chr12:63,780,090, plus strand): 5'-GCCTACCACGTCTTCTTCGGGCGCCGCCGCCAGGCGCCGGCCGGGTCCCCGCGGGGCCTC[A>T]GGAAGGGGGCGGCCCCCGCGCGGGAGAGACGCGGCCGAGGTAGGACTGGGTCGGCGGCTT-3'
Protein context (NP_055069.1, residues 34-54): QAPAGSPRGL[Arg44Trp]KGAAPARERR